The following is an entry in ClinVar:

ClinVar aggregate classification (germline): Likely pathogenic (1 of 4 stars; one submission).

gnomAD v4.1: 5 of 1,612,508 alleles (0.00031%); highest among the groups gnomAD compares: Non-Finnish European, 0.00042%; no homozygotes.

Submission:

GeneDx
Classification: Likely pathogenic. Last evaluated: 2024-12-26. Review status: criteria provided, single submitter. Criteria: GeneDx Variant Classification Process June 2021. Collection method: clinical testing. Allele origin: germline. Affected: yes.
Comment: Canonical splice site variant predicted to result in an in-frame loss of the adjacent exon in a gene for which loss of function is a known mechanism of disease; Not observed at significant frequency in large population cohorts (gnomAD); Has not been previously published as pathogenic or benign to our knowledge; Located in a region of TTN in which the majority of pathogenic variants have been reported in association with autosomal recessive titinopathies (PMID: 28040389, 29575618, 31660661, 32778822); This variant is associated with the following publications: (PMID: 28040389, 29575618, 31660661, 32778822)

NM_001267550.2(TTN):c.38960-2A>C

Gene: TTN (titin; minus strand). Cytogenetic location: 2q31.2.
Variant type: single nucleotide variant.
Coding change: c.38960-2A>C on transcript NM_001267550.2 (MANE Select); the canonical splice acceptor site of the intron before coding-DNA position 38960, A replaced by C.
Molecular consequence: splice acceptor variant. On other transcripts: intron variant (5).
Genome position (GRCh38, 1-based): chr2:178,652,738, T>G on the plus strand (A>C on the coding strand, the complement: TTN is on the minus strand). VCF-style: chr2-178652738-T-G. GRCh37 (hg19) VCF-style: chr2-179517465-T-G.
Other names: c.13283-10421A>C (NM_003319.4); c.13859-10421A>C (NM_133437.4); c.13658-10421A>C (NM_133432.3); c.31742-197A>C (NM_133378.4); c.34523-197A>C (NM_001256850.1).
Identifiers: ClinVar variation 3907856 (VCV003907856.1).